The following is an entry in ClinVar:

ClinVar aggregate classification (germline): Uncertain significance (1 of 4 stars; one submission).

gnomAD v4.1: 1,339 of 1,594,254 alleles (0.084%); highest among the groups gnomAD compares: Non-Finnish European, 0.11%; 1 homozygote.

Submission:

Clinical Genomics Laboratory, Washington University in St. Louis
Classification: Uncertain significance. Last evaluated: 2025-01-22. Review status: criteria provided, single submitter. Criteria: ACMG Guidelines, 2015. Collection method: clinical testing. Allele origin: germline.
Comment: The NLRC3 c.2708A>G ( p.Gln903Arg) variant, to our knowledge, has not been reported in the medical literature. The highest population minor allele frequency in the population database genome aggregation database (v.2.1.1) is 0.0869% in the European non-Finnish population. Computational predictors suggest that the variant does not impact NLRC3 function. Due to limited information, the clinical significance of this variant is uncertain.

NM_178844.4(NLRC3):c.2708A>G (p.Gln903Arg)

Gene: NLRC3 (NLR family CARD domain containing 3; minus strand). Cytogenetic location: 16p13.3.
Variant type: single nucleotide variant.
Coding change: c.2708A>G on transcript NM_178844.4 (MANE Select); coding-DNA position 2708, A replaced by G.
Protein change: p.Gln903Arg; replaces glutamine 903 with arginine.
Molecular consequence: missense variant. On other transcripts: non-coding transcript variant (1).
Genome position (GRCh38, 1-based): chr16:3,548,198, T>C on the plus strand (A>G on the coding strand, the complement: NLRC3 is on the minus strand). VCF-style: chr16-3548198-T-C. GRCh37 (hg19) VCF-style: chr16-3598198-T-C.
Other names: short protein forms Q903R.
Identifiers: ClinVar variation 4279809 (VCV004279809.1).